The following is an entry in ClinVar:

NM_022829.6(SLC13A3):c.194T>G (p.Leu65Arg)

Gene: SLC13A3 (solute carrier family 13 member 3; minus strand). Cytogenetic location: 20q13.12.
Variant type: single nucleotide variant.
Coding change: c.194T>G on transcript NM_022829.6 (MANE Select); coding-DNA position 194, T replaced by G.
Protein change: p.Leu65Arg; replaces leucine 65 with arginine.
Molecular consequence: missense variant. On other transcripts: intron variant (1).
Genome position (GRCh38, 1-based): chr20:46,613,643, A>C on the plus strand (T>G on the coding strand, the complement: SLC13A3 is on the minus strand). VCF-style: chr20-46613643-A-C. GRCh37 (hg19) VCF-style: chr20-45242282-A-C.
Other names: c.53T>G, p.Leu18Arg (NM_001011554.3, NM_001193340.2); c.194T>G, p.Leu65Arg (NM_001193339.2); c.-10-91T>G (NM_001193342.2); short protein forms L65R, L18R.
Identifiers: ClinVar variation 2891165 (VCV002891165.3), dbSNP rs1027642189, ClinGen allele CA315749411.
Genomic context (GRCh38, chr20:46,613,643, plus strand): 5'-TACTGGGGGCAGACCTTGTTGGAGGGCAAGATGCCCATGAAGGGGAAGAGGACGATGGGC[A>C]GCAGCGCCGTCACTGAGAGCGGCAGGGCCTCCGTGCACCAGTACACCGCCATGAGCAGGA-3'
Protein context (NP_073740.2, residues 55-75): EALPLSVTAL[Leu65Arg]PIVLFPFMGI

ClinVar aggregate classification (germline): Uncertain significance (1 of 4 stars; one submission).

Allele frequency attached by ClinVar (database versions not stated): gnomAD exomes below 0.00001; gnomAD 0.00001; TOPMed 0.00001.
gnomAD v4.1: 3 of 1,612,162 alleles (0.00019%); highest among the groups gnomAD compares: Admixed American, 0.005%; no homozygotes.

Submission:

Labcorp Genetics (formerly Invitae), Labcorp
Classification: Uncertain significance. Last evaluated: 2022-10-29. Review status: criteria provided, single submitter. Criteria: Invitae Variant Classification Sherloc (09022015). Collection method: clinical testing. Allele origin: germline.
Comment: This sequence change replaces leucine, which is neutral and non-polar, with arginine, which is basic and polar, at codon 65 of the SLC13A3 protein (p.Leu65Arg). This variant is present in population databases (no rsID available, gnomAD 0.006%). This variant has not been reported in the literature in individuals affected with SLC13A3-related conditions. Advanced modeling of protein sequence and biophysical properties (such as structural, functional, and spatial information, amino acid conservation, physicochemical variation, residue mobility, and thermodynamic stability) performed at Invitae indicates that this missense variant is expected to disrupt SLC13A3 protein function. In summary, the available evidence is currently insufficient to determine the role of this variant in disease. Therefore, it has been classified as a Variant of Uncertain Significance.